The following is an entry in ClinVar:

NM_133181.4(EPS8L3):c.1641G>A (p.Thr547=)

Genes: EPS8L3 (EPS8 signaling adaptor L3; minus strand), LOC126805823 (BRD4-independent group 4 enhancer GRCh37_chr1:110293035-110294234; plus strand). Cytogenetic location: 1p13.3.
Variant type: single nucleotide variant.
Coding change: c.1641G>A on transcript NM_133181.4 (MANE Select); coding-DNA position 1641, G replaced by A.
Protein change: p.Thr547=; no amino-acid change (threonine 547 retained).
Molecular consequence: synonymous variant.
Genome position (GRCh38, 1-based): chr1:109,750,789, C>T on the plus strand (G>A on the coding strand, the complement: EPS8L3 is on the minus strand). VCF-style: chr1-109750789-C-T. GRCh37 (hg19) VCF-style: chr1-110293411-C-T.
Other names: NC_000001.10:g.110293411C>T; c.1452G>A, p.Thr484= (NM_001319952.2); c.1551G>A, p.Thr517= (NM_024526.4); c.1644G>A, p.Thr548= (NM_139053.3).
Identifiers: ClinVar variation 4083659 (VCV004083659.9).

ClinVar aggregate classification (germline): Benign (1 of 4 stars; one submission).

gnomAD v4.1: 2,293 of 1,614,162 alleles (0.14%); highest among the groups gnomAD compares: African/African-American, 0.38%; 5 homozygotes.

Submissions (3):

CeGaT Center for Human Genetics Tuebingen
Classification: Benign. Last evaluated: 2025-07-01. Review status: criteria provided, single submitter. Criteria: CeGaT Center For Human Genetics Tuebingen Variant Classification Criteria Version 2. Collection method: clinical testing. Allele origin: germline. Affected: yes. Observed: 1 variant allele.
Comment: EPS8L3: BP4, BS1, BS2

Dr. Peter K. Rogan Lab, Western University
No classification provided (evidence only). Condition: Colorectal cancer. Review status: no classification provided. Collection method: in vitro. Allele origin: not applicable. Functional consequence: retained intron. Not counted in ClinVar's aggregate classification.

Dr. Peter K. Rogan Lab, Western University
No classification provided (evidence only). Condition: Uterine corpus endometrial carcinoma. Review status: no classification provided. Collection method: in vitro. Allele origin: not applicable. Functional consequence: retained intron. Not counted in ClinVar's aggregate classification.